The following is an entry in ClinVar:

ClinVar aggregate classification (germline): Likely benign. Review status: criteria provided, multiple submitters, no conflicts (2 of 4 stars). 2 submissions from 2 submitters: Likely benign (2). Last evaluated 2026-07-01.

Submissions (2):

CeGaT Center for Human Genetics Tuebingen
Classification: Likely benign. Last evaluated: 2026-07-01. Review status: criteria provided, single submitter. Criteria: CeGaT Center For Human Genetics Tuebingen Variant Classification Criteria Version 2. Collection method: clinical testing. Allele origin: germline. Affected: yes. Observed: 1 variant allele.
Comment: THBD: PM2:Supporting, BP4, BP7

Labcorp Genetics (formerly Invitae), Labcorp
Classification: Likely benign. Last evaluated: 2023-01-25. Review status: criteria provided, single submitter. Criteria: Invitae Variant Classification Sherloc (09022015). Collection method: clinical testing. Allele origin: germline.

NM_000361.3(THBD):c.612C>T (p.Phe204=)

Gene: THBD (thrombomodulin; minus strand). Cytogenetic location: 20p11.21.
Variant type: single nucleotide variant.
Coding change: c.612C>T on transcript NM_000361.3 (MANE Select); coding-DNA position 612, C replaced by T.
Protein change: p.Phe204=; no amino-acid change (phenylalanine 204 retained).
Molecular consequence: synonymous variant.
Genome position (GRCh38, 1-based): chr20:23,048,893, G>A on the plus strand (C>T on the coding strand, the complement: THBD is on the minus strand). VCF-style: chr20-23048893-G-A. GRCh37 (hg19) VCF-style: chr20-23029530-G-A.
Identifiers: ClinVar variation 2906552 (VCV002906552.4), dbSNP rs2515205133, ClinGen allele CA510160763.
Genomic context (GRCh38, chr20:23,048,893, plus strand): 5'-GCACATTAGCTGTAAGCCGAGGGGAGCCACCGCGGCGGAGCTGCCCACCGGCAGCGCCTG[G>A]AAGTCCGCTCCGCGGGCCGCGAACGGGGTGCCGTAGGTGATCGAGACGGCGGCAGCCGCG-3'
Protein context (NP_000352.1, residues 194-214): GTPFAARGAD[Phe204=]QALPVGSSAA